The following is an entry in ClinVar:

ClinVar aggregate classification (germline): Uncertain significance (1 of 4 stars; one submission).

Conditions:
EFTUD2-related disorder. Also called: EFTUD2-related condition.

Allele frequency attached by ClinVar (database versions not stated): gnomAD 0.00001; TOPMed 0.00001.
gnomAD v4.1: 7 of 1,614,000 alleles (0.00043%); highest among the groups gnomAD compares: African/African-American, 0.0013%; no homozygotes.

Submission:

PreventionGenetics, part of Exact Sciences
Classification: Uncertain significance for EFTUD2-related condition. Last evaluated: 2023-09-14. Review status: criteria provided, single submitter. Criteria: ACMG Guidelines, 2015. Collection method: clinical testing. Allele origin: germline.
Comment: The EFTUD2 c.1378G>A variant is predicted to result in the amino acid substitution p.Asp460Asn. To our knowledge, this variant has not been reported in the literature or in a large population database, indicating this variant is rare. At this time, the clinical significance of this variant is uncertain due to the absence of conclusive functional and genetic evidence.

NM_004247.4(EFTUD2):c.1378G>A (p.Asp460Asn)

Gene: EFTUD2 (elongation factor Tu GTP binding domain containing 2; minus strand). Cytogenetic location: 17q21.31.
Variant type: single nucleotide variant.
Coding change: c.1378G>A on transcript NM_004247.4 (MANE Select); coding-DNA position 1378, G replaced by A.
Protein change: p.Asp460Asn; replaces aspartic acid 460 with asparagine.
Molecular consequence: missense variant.
Genome position (GRCh38, 1-based): chr17:44,863,690, C>T on the plus strand (G>A on the coding strand, the complement: EFTUD2 is on the minus strand). VCF-style: chr17-44863690-C-T. GRCh37 (hg19) VCF-style: chr17-42941058-C-T.
Other names: c.1273G>A, p.Asp425Asn (NM_001142605.2); c.1378G>A, p.Asp460Asn (NM_001258353.2); c.1348G>A, p.Asp450Asn (NM_001258354.2); short protein forms D425N, D450N, D460N.
Identifiers: ClinVar variation 2631083 (VCV002631083.1), dbSNP rs1179821885, ClinGen allele CA399814535.